The following is an entry in ClinVar:

ClinVar aggregate classification (germline): Uncertain significance (1 of 4 stars; one submission).

Conditions:
Cardiovascular phenotype. Identifiers: MedGen CN230736.

Submission:

Ambry Genetics
Classification: Uncertain significance for Cardiovascular phenotype. Last evaluated: 2025-05-18. Review status: criteria provided, single submitter. Criteria: Ambry Variant Classification Scheme 2023. Collection method: clinical testing. Allele origin: germline.
Comment: The p.S325C variant (also known as c.974C>G), located in coding exon 8 of the MAT2A gene, results from a C to G substitution at nucleotide position 974. The serine at codon 325 is replaced by cysteine, an amino acid with dissimilar properties. This amino acid position is conserved. In addition, the in silico prediction for this alteration is inconclusive. Based on the available evidence, the clinical significance of this variant remains unclear.

NM_005911.6(MAT2A):c.974C>G (p.Ser325Cys)

Genes: GGCX (gamma-glutamyl carboxylase; minus strand), MAT2A (methionine adenosyltransferase 2A; plus strand). Cytogenetic location: 2p11.2.
Variant type: single nucleotide variant.
Coding change: c.974C>G on transcript NM_005911.6 (MANE Select); coding-DNA position 974, C replaced by G.
Protein change: p.Ser325Cys; replaces serine 325 with cysteine.
Molecular consequence: missense variant.
Genome position (GRCh38, 1-based): chr2:85,542,923, C>G. VCF-style: chr2-85542923-C-G. GRCh37 (hg19) VCF-style: chr2-85770046-C-G.
Other names: short protein forms S325C.
Identifiers: ClinVar variation 4052032 (VCV004052032.1).
Genomic context (GRCh38, chr2:85,542,923, plus strand): 5'-TGCAATCACTGATTCTTACGACATTTGAATCCTTTTAGGTCTCTTATGCTATTGGAGTTT[C>G]TCATCCATTATCTATCTCCATTTTCCATTATGGTACCTCTCAGAAGAGTGAGAGAGAGCT-3'
Protein context (NP_005902.1, residues 315-335): LVQVSYAIGV[Ser325Cys]HPLSISIFHY